The following is an entry in ClinVar:

ClinVar aggregate classification (germline): Uncertain significance (1 of 4 stars; one submission).

Allele frequency attached by ClinVar (database versions not stated): gnomAD exomes below 0.00001 and 0.00001; TOPMed 0.00002; gnomAD 0.00003.

Submission:

Labcorp Genetics (formerly Invitae), Labcorp
Classification: Uncertain significance. Last evaluated: 2022-01-13. Review status: criteria provided, single submitter. Criteria: Invitae Variant Classification Sherloc (09022015). Collection method: clinical testing. Allele origin: germline.
Comment: In summary, the available evidence is currently insufficient to determine the role of this variant in disease. Therefore, it has been classified as a Variant of Uncertain Significance. Variants that disrupt the consensus splice site are a relatively common cause of aberrant splicing (PMID: 17576681, 9536098). Algorithms developed to predict the effect of sequence changes on RNA splicing suggest that this variant may disrupt the consensus splice site. Algorithms developed to predict the effect of missense changes on protein structure and function are either unavailable or do not agree on the potential impact of this missense change (SIFT: "Tolerated"; PolyPhen-2: "Probably Damaging"; Align-GVGD: "Class C0"). This variant has not been reported in the literature in individuals affected with SLC25A4-related conditions. This variant is present in population databases (no rsID available, gnomAD 0.002%). This sequence change replaces glycine, which is neutral and non-polar, with arginine, which is basic and polar, at codon 200 of the SLC25A4 protein (p.Gly200Arg). This variant also falls at the last nucleotide of exon 2, which is part of the consensus splice site for this exon.

Literature cited by the submitters: PubMed 17576681; PubMed 9536098.

NM_001151.4(SLC25A4):c.598G>A (p.Gly200Arg)

Gene: SLC25A4 (solute carrier family 25 member 4; plus strand). Cytogenetic location: 4q35.1.
Variant type: single nucleotide variant.
Coding change: c.598G>A on transcript NM_001151.4 (MANE Select); coding-DNA position 598, G replaced by A.
Protein change: p.Gly200Arg; replaces glycine 200 with arginine.
Molecular consequence: missense variant.
Genome position (GRCh38, 1-based): chr4:185,145,250, G>A. VCF-style: chr4-185145250-G-A. GRCh37 (hg19) VCF-style: chr4-186066404-G-A.
Other names: short protein forms G200R.
Identifiers: ClinVar variation 1481893 (VCV001481893.8), dbSNP rs919961410, ClinGen allele CA112006234.
Genomic context (GRCh38, chr4:185,145,250, plus strand): 5'-TCTGTCCAAGGCATCATTATCTATAGAGCTGCCTACTTCGGAGTCTATGATACTGCCAAG[G>A]GTGAGAGAGGGGCATCGGGGAGAAGGAGGGTGGTGTGGAAAGAGGATCCTATGGGATCTA-3'
Protein context (NP_001142.2, residues 190-210): AYFGVYDTAK[Gly200Arg]MLPDPKNVHI